The following is an entry in ClinVar:

ClinVar aggregate classification (germline): Likely pathogenic (1 of 4 stars; one submission).

Submission:

GeneDx
Classification: Likely pathogenic. Last evaluated: 2016-04-25. Review status: criteria provided, single submitter. Criteria: GeneDx Variant Classification (06012015). Collection method: clinical testing. Allele origin: germline. Affected: yes.
Comment: This variant is denoted STK11 c.527A>G at the cDNA level, p.Asp176Gly (D176G) at the protein level, and results in the change of an Aspartic Acid to a Glycine (GAC>GGC). This variant has not, to our knowledge, been published in the literature as pathogenic or benign. However, a different missense variant involving a semi-conservative amino acid substitution at the same residue, Asp176Asn, has been observed in several patients and families with a clinical diagnosis of Peutz-Jeghers Syndrome (Mehenni 1998, de Leng 2007, Dai 2014, Wang 2014). Additionally, in vitro-based functional assays showed that STK11 Asp176Asn had no kinase activity and failed to induce G1 cell cycle arrest and p21 promoter transcription (Mehenni 1998, Nezu 1999, Tiainen 2002). STK11 Asp176Gly was not observed in approximately 6,300 individuals of European and African American ancestry in the NHLBI Exome Sequencing Project, suggesting it is not a common benign variant in these populations. Since Aspartic Acid and Glycine differ in polarity, charge, size or other properties, this is considered a non-conservative amino acid substitution. STK11 Asp176Gly occurs at a position that is conserved across species and is located in the substrate binding, phospho transfer initiation, and protein kinase domains (Hearle 2006, UniProt). In silico analyses predict that this variant is probably damaging to protein structure and function. Based on currently available evidence, we consider STK11 Asn176Gly to be a likely pathogenic variant.

NM_000455.5(STK11):c.527A>G (p.Asp176Gly)

Gene: STK11 (serine/threonine kinase 11; plus strand). Cytogenetic location: 19p13.3.
Variant type: single nucleotide variant.
Coding change: c.527A>G on transcript NM_000455.5 (MANE Select); coding-DNA position 527, A replaced by G.
Protein change: p.Asp176Gly; replaces aspartic acid 176 with glycine.
Molecular consequence: missense variant.
Genome position (GRCh38, 1-based): chr19:1,220,435, A>G. VCF-style: chr19-1220435-A-G. GRCh37 (hg19) VCF-style: chr19-1220434-A-G.
Other names: short protein forms D176G.
Identifiers: ClinVar variation 420939 (VCV000420939.2), dbSNP rs1064794805, ClinGen allele CA16620748.